The following is an entry in ClinVar:

NM_004519.4(KCNQ3):c.889A>G (p.Lys297Glu)

Gene: KCNQ3 (potassium voltage-gated channel subfamily Q member 3; minus strand). Cytogenetic location: 8q24.22.
Variant type: single nucleotide variant.
Coding change: c.889A>G on transcript NM_004519.4 (MANE Select); coding-DNA position 889, A replaced by G.
Protein change: p.Lys297Glu; replaces lysine 297 with glutamic acid.
Molecular consequence: missense variant.
Genome position (GRCh38, 1-based): chr8:132,175,497, T>C on the plus strand (A>G on the coding strand, the complement: KCNQ3 is on the minus strand). VCF-style: chr8-132175497-T-C. GRCh37 (hg19) VCF-style: chr8-133187744-T-C.
Other names: c.529A>G, p.Lys177Glu (NM_001204824.2); short protein forms K297E, K177E.
Identifiers: ClinVar variation 1515090 (VCV001515090.10), dbSNP rs1826518706, ClinGen allele CA372290390.

ClinVar aggregate classification (germline): Uncertain significance. Review status: criteria provided, multiple submitters, no conflicts (2 of 4 stars). 2 submissions from 2 submitters: Uncertain significance (2). Last evaluated 2024-07-06.

Conditions:
Benign neonatal seizures. Also called: Benign familial neonatal seizures; Convulsions benign familial neonatal dominant form; Autosomal dominant form of benign neonatal seizures; Benign familial neonatal epilepsy; Benign neonatal familial convulsions. Identifiers: Orphanet 1949, MedGen C0220669, MONDO:0016027.
Inborn genetic diseases. Identifiers: MedGen C0950123, MeSH D030342.

Allele frequency attached by ClinVar (database versions not stated): gnomAD exomes below 0.00001.
gnomAD v4.1: 3 of 1,614,188 alleles (0.00019%); highest among the groups gnomAD compares: Non-Finnish European, 0.00025%; no homozygotes.

Submissions (2):

Labcorp Genetics (formerly Invitae), Labcorp
Classification: Uncertain significance for Benign neonatal seizures. Last evaluated: 2024-07-06. Review status: criteria provided, single submitter. Criteria: Invitae Variant Classification Sherloc (09022015). Collection method: clinical testing. Allele origin: germline.
Comment: This sequence change replaces lysine, which is basic and polar, with glutamic acid, which is acidic and polar, at codon 297 of the KCNQ3 protein (p.Lys297Glu). This variant is not present in population databases (gnomAD no frequency). This variant has not been reported in the literature in individuals affected with KCNQ3-related conditions. ClinVar contains an entry for this variant (Variation ID: 1515090). Advanced modeling of protein sequence and biophysical properties (such as structural, functional, and spatial information, amino acid conservation, physicochemical variation, residue mobility, and thermodynamic stability) performed at Invitae indicates that this missense variant is not expected to disrupt KCNQ3 protein function with a negative predictive value of 80%. In summary, the available evidence is currently insufficient to determine the role of this variant in disease. Therefore, it has been classified as a Variant of Uncertain Significance.

Ambry Genetics
Classification: Uncertain significance for Inborn genetic diseases. Last evaluated: 2019-07-30. Review status: criteria provided, single submitter. Criteria: Ambry Variant Classification Scheme 2023. Collection method: clinical testing. Allele origin: germline.
Comment: The p.K297E variant (also known as c.889A>G), located in coding exon 5 of the KCNQ3 gene, results from an A to G substitution at nucleotide position 889. The lysine at codon 297 is replaced by glutamic acid, an amino acid with similar properties. This amino acid position is well conserved in available vertebrate species. In addition, the in silico prediction for this alteration is inconclusive. Since supporting evidence is limited at this time, the clinical significance of this alteration remains unclear.